The following is an entry in ClinVar:

NM_001101.5(ACTB):c.772C>G (p.Pro258Ala)

Gene: ACTB (actin beta; minus strand). Cytogenetic location: 7p22.1.
Variant type: single nucleotide variant.
Coding change: c.772C>G on transcript NM_001101.5 (MANE Select); coding-DNA position 772, C replaced by G.
Protein change: p.Pro258Ala; replaces proline 258 with alanine.
Molecular consequence: missense variant.
Genome position (GRCh38, 1-based): chr7:5,528,311, G>C on the plus strand (C>G on the coding strand, the complement: ACTB is on the minus strand). VCF-style: chr7-5528311-G-C. GRCh37 (hg19) VCF-style: chr7-5567942-G-C.
Other names: short protein forms P258A.
Identifiers: ClinVar variation 2830597 (VCV002830597.3), dbSNP rs2533847221, ClinGen allele CA366701900.
Genomic context (GRCh38, chr7:5,528,311, plus strand): 5'-AGGCAGAGCCGGGAGACAGTCTCCACTCACCCAGGAAGGAAGGCTGGAAGAGTGCCTCAG[G>C]GCAGCGGAACCGCTCATTGCCAATGGTGATGACCTGGCCGTCAGGCAGCTCGTAGCTCTT-3'
Protein context (NP_001092.1, residues 248-268): ITIGNERFRC[Pro258Ala]EALFQPSFLG

ClinVar aggregate classification (germline): Uncertain significance (1 of 4 stars; one submission).

Conditions:
Baraitser-Winter syndrome 1 (BRWS1). Also called: BARAITSER-WINTER SYNDROME 1, ATYPICAL; PACHYGYRIA, MENTAL RETARDATION, EPILEPSY, AND CHARACTERISTIC FACIES; MENTAL RETARDATION WITH EPILEPSY AND CHARACTERISTIC FACIES; Cerebrofrontofacial syndrome. Identifiers: Orphanet 2649, Orphanet 2995, MedGen C1855722, MONDO:0009470, OMIM 243310.

Submission:

Labcorp Genetics (formerly Invitae), Labcorp
Classification: Uncertain significance for Baraitser-Winter syndrome 1. Last evaluated: 2023-03-30. Review status: criteria provided, single submitter. Criteria: Invitae Variant Classification Sherloc (09022015). Collection method: clinical testing. Allele origin: germline.
Comment: In summary, the available evidence is currently insufficient to determine the role of this variant in disease. Therefore, it has been classified as a Variant of Uncertain Significance. Advanced modeling of protein sequence and biophysical properties (such as structural, functional, and spatial information, amino acid conservation, physicochemical variation, residue mobility, and thermodynamic stability) performed at Invitae indicates that this missense variant is not expected to disrupt ACTB protein function. This variant has not been reported in the literature in individuals affected with ACTB-related conditions. This variant is not present in population databases (gnomAD no frequency). This sequence change replaces proline, which is neutral and non-polar, with alanine, which is neutral and non-polar, at codon 258 of the ACTB protein (p.Pro258Ala).